The following continues an entry in ClinVar:

NM_001042492.3(NF1):c.6852_6855del (p.Tyr2285fs)

Gene: NF1. ClinVar aggregate classification (germline): Pathogenic. Pathogenic (23). ClinVar aggregate classification (somatic clinical impact): Tier I - Strong. ClinVar aggregate classification (oncogenicity): Likely oncogenic.

Submissions 9 to 25 of 28:

Dasa
Classification: Pathogenic. Last evaluated: 2025-03-18. Review status: criteria provided, single submitter. Criteria: DASA Assertion Criteria. Collection method: clinical testing. Allele origin: germline.
Comment: NM_001042492.3(NF1):c.6852_6855del (p.Tyr2285Thrfs*5) is a frameshift variant in NF1 predicted to alter the reading frame and introduce a premature termination codon and is predicted to result in an absent or altered protein product. Loss of function is an established disease mechanism for NF1 (PMID: 1757093; PMID: 1302608; PMID: 34427956). This variant has been recurrently observed in individuals with NF1-related disorders (PMID: 19738042; PMID: 27980226). Segregation data support an association with disease in the reported family/families (PMID: 19738042). Also, this variant is rare in population databases. Based on the currently available evidence, this variant is classified as pathogenic.

St. Jude Molecular Pathology, St. Jude Children's Research Hospital
Classification: Pathogenic for Neurofibromatosis, type 1. Last evaluated: 2025-02-05. Review status: criteria provided, single submitter. Criteria: St. Jude Assertion Criteria 2020. Collection method: clinical testing. Allele origin: germline.
Comment: The NF1 c.6789_6792del p.(Tyr2264ThrfsTer5) change deletes four nucleotides to cause a frameshift and the creation of a premature stop codon. This change is predicted to cause protein truncation or absence of protein due to nonsense-mediated decay. This variant has been reported in individuals with Neurofibromatosis type 1 (PMID: 7607663, 10712197, 36612057, internal data). This variant is also absent in gnomAD v2.1.1. In summary, this variant meets criteria to be classified as pathogenic.

Blueprint Genetics
Classification: Pathogenic for NF1-related disorders. Last evaluated: 2024-09-07. Review status: criteria provided, single submitter. Criteria: ACMG Guidelines, 2015. Collection method: clinical testing. Allele origin: germline. Affected: yes. Observed: 4 variant alleles.

Baylor Genetics
Classification: Pathogenic for Juvenile myelomonocytic leukemia. Last evaluated: 2024-01-23. Review status: criteria provided, single submitter. Criteria: ACMG Guidelines, 2015. Collection method: clinical testing. Allele origin: unknown.

Institute of Medical Genetics and Applied Genomics, University Hospital Tübingen
Classification: Pathogenic for Neurofibromatosis, type 1. Last evaluated: 2023-08-07. Review status: criteria provided, single submitter. Criteria: ACMG Guidelines, 2015. Collection method: clinical testing. Allele origin: germline. Inheritance: Autosomal dominant inheritance. Affected: yes.

Institute for Genomic Medicine (IGM) Clinical Laboratory, Nationwide Children's Hospital
Classification: Tier I - Strong for Neuroepithelial neoplasm. Assertion type: diagnostic. Clinical significance: supports diagnosis. Last evaluated: 2023-06-16. Review status: criteria provided, single submitter. Criteria: AMP/ASCO/CAP Guidelines, 2017. Collection method: clinical testing. Allele origin: somatic. Affected: yes.
Comment: Variant has Tier I (strong) clinical significance as a diagnostic inclusion criterion in neuroepithelial neoplasm, based on the following evidence: 1) Documented in one or more cancer databases (e.g., St. Jude Pecan, COSMIC, CIViC, OncoKB). 2) Appears in one or more well-established professional guidelines (e.g., World Health Organization [WHO]; National Comprehensive Cancer Network [NCCN]) as providing diagnostic, prognostic, or therapeutic information. 3) Information in the literature supports potential biologic effect of variant. 4) Diagnostic for a specific tumor type/classification based on well-powered studies with expert-level consensus (Evidence Level B; PMIDs: 28912153, 1568247, 27263935, 23583981, 32289278).

Department of Genomics, ADN Uruguay
Classification: Pathogenic for Neurofibromatosis, type 1. Last evaluated: 2023-06-07. Review status: criteria provided, single submitter. Criteria: Assertion Criteria Germline. Collection method: clinical testing. Allele origin: germline. Inheritance: Autosomal dominant inheritance. Affected: yes. Observed: 1 variant allele.
Comment: The c.6789_6792delTTAC (p.Tyr2264Thrfs*5) variant in NF1 is a frameshift change predicted to cause premature truncation and loss of normal neurofibromin function (PVS1). It is absent from population databases (PM2) and reported as pathogenic in individuals with neurofibromatosis type 1 (PMID:16835897, PMID:26969325). Classified as Pathogenic per ACMG/AMP criteria (PVS1, PM2, PS3_supporting).

Institute for Genomic Medicine (IGM) Clinical Laboratory, Nationwide Children's Hospital
Classification: Tier I - Strong for Embryonal rhabdomyosarcoma. Assertion type: diagnostic. Clinical significance: supports diagnosis. Last evaluated: 2022-11-23. Review status: criteria provided, single submitter. Criteria: AMP/ASCO/CAP Guidelines, 2017. Collection method: clinical testing. Allele origin: somatic. Affected: yes.
Comment: Variant has Tier I (strong) clinical significance as a diagnostic inclusion criterion in embryonal rhabdomyosarcoma, based on the following evidence: 1) Documented in one or more cancer databases (e.g., St. Jude Pecan, COSMIC, CIViC, OncoKB). 2) Appears in one or more well-established professional guidelines (e.g., World Health Organization [WHO]; National Comprehensive Cancer Network [NCCN]) as providing diagnostic, prognostic, or therapeutic information. 3) Information in the literature supports potential biologic effect of variant. 4) Diagnostic for a specific tumor type/classification based on well-powered studies with expert-level consensus (Evidence Level B; PMIDs: 34166060, 24436047, 26138366, 21412928).

Athena Diagnostics
Classification: Pathogenic. Last evaluated: 2022-07-22. Review status: criteria provided, single submitter. Criteria: Athena Diagnostics Criteria. Collection method: clinical testing. Allele origin: unknown.
Comment: This variant is expected to result in the loss of a functional protein. This variant was not reported in large, multi-ethnic, general populations. This variant has been identified in multiple unrelated individuals with clinical features of NF1, including at least one apparent de novo.

Quest Diagnostics Nichols Institute San Juan Capistrano
Classification: Pathogenic. Last evaluated: 2022-07-22. Review status: criteria provided, single submitter. Criteria: Quest Diagnostics criteria. Collection method: clinical testing. Allele origin: unknown.
Comment: This variant alters the translational reading frame of the NF1 mRNA and causes the premature termination of NF1 protein synthesis. In addition, this variant has been reported in individuals affected with neurofibromatosis and in a family with neurofibromatosis-Noonan syndrome in the published literature (PMIDs: 19738042 (2009), 7607663 (1995), 16835897 (2006), 25325900 (2014), 27980226 (2017) and 24357598 (2014)). Based on the available information, this variant is classified as pathogenic.

Genome-Nilou Lab
Classification: Pathogenic for Neurofibromatosis, type 1. Last evaluated: 2022-03-15. Review status: criteria provided, single submitter. Criteria: ACMG Guidelines, 2015. Collection method: clinical testing. Allele origin: germline. Affected: no.

GeneDx
Classification: Pathogenic. Last evaluated: 2022-02-03. Review status: criteria provided, single submitter. Criteria: GeneDx Variant Classification Process June 2021. Collection method: clinical testing. Allele origin: germline. Affected: yes.
Comment: Frameshift variant predicted to result in protein truncation or nonsense mediated decay in a gene for which loss-of-function is a known mechanism of disease; Not observed at significant frequency in large population cohorts (gnomAD); This variant is associated with the following publications: (PMID: 24357598, 30530636, 31371350, 16835897, 7607663, 16944272, 19738042, 27980226, 25325900, 31776437, 34427956)

3billion
Classification: Pathogenic for Neurofibromatosis-Noonan syndrome. Last evaluated: 2021-10-02. Review status: criteria provided, single submitter. Criteria: ACMG Guidelines, 2015. Collection method: clinical testing. Allele origin: germline. Affected: yes. Observed: 1 heterozygote.
Comment: Frameshift: predicted to result in a loss or disruption of normal protein function through nonsense-mediated decay (NMD) or protein truncation. Multiple pathogenic variants are reported downstream of the variant (PVS1_VS). The variant was observed as assumed (i.e. paternity and maternity not confirmed) de novoo (3billion dataset, PM6). It is not observed in the gnomAD v2.1.1 dataset (PM2). Therefore, this variant is classified as pathogenic according to the recommendation of ACMG/AMP guideline.

Genome Diagnostics Laboratory, The Hospital for Sick Children
Classification: Pathogenic for Neurofibromatosis, type 1. Last evaluated: 2020-10-26. Review status: criteria provided, single submitter. Criteria: ACMG Guidelines, 2015. Collection method: clinical testing. Allele origin: germline. Affected: yes.

Medical Genetics, University of Parma
Classification: Pathogenic for Neurofibromatosis, type 1. Last evaluated: 2019-12-20. Review status: criteria provided, single submitter. Criteria: ACMG Guidelines, 2015. Collection method: clinical testing. Allele origin: germline. Affected: yes.

Ambry Genetics
Classification: Pathogenic for Hereditary cancer-predisposing syndrome. Last evaluated: 2016-02-06. Review status: criteria provided, single submitter. Criteria: Ambry Autosomal Dominant and X-Linked criteria (10/2015). Collection method: clinical testing. Allele origin: germline. Observed: 1 variant allele.
Comment: Thec.6852_6855delTTACpathogenic mutation (also known as c.6789_6792delTTACand6789del-TTAC), located in codingexon46 of theNF1gene, results from a deletion of 4 nucleotides from positions 6852 to6855, causing a translationalframeshiftwith a predicted alternate stopcodon(p.Y2285Tfs*5). This pathogenic mutation has beenreported in severalindividuals whofulfilledNIH diagnostic criteria for NF1 (Robinson PN et al.HumGenet.1995;96(1):95-8, Griffiths S, et al.Fam. Cancer 2007 ; 6(1):21-34).In addition to the clinical data presented in the literature, sinceframeshiftsare typically deleterious in nature, this alteration is interpreted as a disease-causing mutation (ACMGRecommendations for Standards for Interpretation and Reporting of Sequence Variations. Revision 2007.Genet Med.2008;10:294).

Department of Research and Development, Institute Hermes Pardini
Classification: Pathogenic for Neurofibromatosis, type 1. Last evaluated: 2016-02-02. Review status: criteria provided, single submitter. Criteria: ACMG Guidelines, 2015. Collection method: research. Allele origin: germline. Inheritance: Autosomal dominant inheritance. Affected: yes. Observed: 1 variant allele.
Comment: PVS1 - disrupt gene (frameshift), PM2 - Absent in population databases, PM4 - Protein lenght change, PP3 - Multiple deleterious effect and PP4 - Patient's phenotype